The following is an entry in ClinVar:

ClinVar aggregate classification (germline): Uncertain significance. Review status: criteria provided, multiple submitters, no conflicts (2 of 4 stars). 2 submissions from 2 submitters: Uncertain significance (2). Last evaluated 2021-06-24.

Conditions:
Hereditary cancer-predisposing syndrome. Also called: Tumor predisposition; Hereditary neoplastic syndrome; Neoplastic Syndromes, Hereditary; Hereditary Cancer Syndrome. Identifiers: Orphanet 140162, MedGen C0027672, MeSH D009386, MONDO:0015356.
Breast-ovarian cancer, familial, susceptibility to, 4. Identifiers: Orphanet 145, MedGen C3280345, MONDO:0013669, OMIM 614291.

Submissions (2):

Labcorp Genetics (formerly Invitae), Labcorp
Classification: Uncertain significance for Breast-ovarian cancer, familial, susceptibility to, 4. Last evaluated: 2021-06-24. Review status: criteria provided, single submitter. Criteria: Invitae Variant Classification Sherloc (09022015). Collection method: clinical testing. Allele origin: germline.
Comment: In summary, the available evidence is currently insufficient to determine the role of this variant in disease. Therefore, it has been classified as a Variant of Uncertain Significance. Algorithms developed to predict the effect of missense changes on protein structure and function (SIFT, PolyPhen-2, Align-GVGD) all suggest that this variant is likely to be tolerated, but these predictions have not been confirmed by published functional studies and their clinical significance is uncertain. This variant has not been reported in the literature in individuals with RAD51D-related conditions. This variant is not present in population databases (ExAC no frequency). This sequence change replaces glutamic acid with lysine at codon 74 of the RAD51D protein (p.Glu74Lys). The glutamic acid residue is moderately conserved and there is a small physicochemical difference between glutamic acid and lysine.

Ambry Genetics
Classification: Uncertain significance for Hereditary cancer-predisposing syndrome. Last evaluated: 2020-02-24. Review status: criteria provided, single submitter. Criteria: Ambry Variant Classification Scheme 2023. Collection method: clinical testing. Allele origin: germline.
Comment: The p.E74K variant (also known as c.220G>A), located in coding exon 3 of the RAD51D gene, results from a G to A substitution at nucleotide position 220. The glutamic acid at codon 74 is replaced by lysine, an amino acid with similar properties. This amino acid position is highly conserved in available vertebrate species. In addition, this alteration is predicted to be deleterious by in silico analysis. Since supporting evidence is limited at this time, the clinical significance of this alteration remains unclear.

NM_002878.4(RAD51D):c.220G>A (p.Glu74Lys)

Genes: RAD51L3-RFFL (RAD51L3-RFFL readthrough; minus strand), RAD51D (RAD51 paralog D; minus strand). Cytogenetic location: 17q12.
Variant type: single nucleotide variant.
Coding change: c.220G>A on transcript NM_002878.4 (MANE Select); coding-DNA position 220, G replaced by A.
Protein change: p.Glu74Lys; replaces glutamic acid 74 with lysine.
Molecular consequence: missense variant. On other transcripts: intron variant (2).
Genome position (GRCh38, 1-based): chr17:35,118,544, C>T on the plus strand (G>A on the coding strand, the complement: RAD51D is on the minus strand). VCF-style: chr17-35118544-C-T. GRCh37 (hg19) VCF-style: chr17-33445563-C-T.
Other names: c.144+567G>A (NM_133629.3, NM_001142571.2); short protein forms E74K.
Identifiers: ClinVar variation 1361025 (VCV001361025.10), dbSNP rs2142474014, ClinGen allele CA399091271.